The following is an entry in ClinVar:

NM_001164.5(APBB1):c.1013C>A (p.Thr338Lys)

Gene: APBB1 (amyloid beta precursor protein binding family B member 1; minus strand). Cytogenetic location: 11p15.4.
Variant type: single nucleotide variant.
Coding change: c.1013C>A on transcript NM_001164.5 (MANE Select); coding-DNA position 1013, C replaced by A.
Protein change: p.Thr338Lys; replaces threonine 338 with lysine.
Molecular consequence: missense variant. On other transcripts: non-coding transcript variant (1).
Genome position (GRCh38, 1-based): chr11:6,403,346, G>T on the plus strand (C>A on the coding strand, the complement: APBB1 is on the minus strand). VCF-style: chr11-6403346-G-T. GRCh37 (hg19) VCF-style: chr11-6424576-G-T.
Other names: c.353C>A, p.Thr118Lys (NM_001257319.3, NM_001257323.3); c.236C>A, p.Thr79Lys (NM_001257320.2, NM_001257321.2, NM_001257326.2); c.308C>A, p.Thr103Lys (NM_001257325.3); c.1013C>A, p.Thr338Lys (NM_145689.3); short protein forms T118K, T79K, T338K, T103K.
Identifiers: ClinVar variation 4978102 (VCV004978102.1).

ClinVar aggregate classification (germline): Uncertain significance (1 of 4 stars; one submission).

Conditions:
APBB1-related disorder. Also called: APBB1-related condition.

gnomAD v4.1: 6 of 1,614,096 alleles (0.00037%); highest among the groups gnomAD compares: Non-Finnish European, 0.00051%; no homozygotes.

Submission:

PreventionGenetics, part of Exact Sciences
Classification: Uncertain significance for APBB1-related condition. Last evaluated: 2026-09-16. Review status: criteria provided, single submitter. Criteria: ACMG Guidelines, 2015. Collection method: clinical testing. Allele origin: germline.
Comment: The APBB1 c.1013C>A variant is predicted to result in the amino acid substitution p.Thr338Lys. To our knowledge, this variant has not been reported in the literature. This variant is reported in 0.00088% of alleles in individuals of European (Non-Finnish) descent in gnomAD. At this time, the clinical significance of this variant is uncertain due to the absence of conclusive functional and genetic evidence.